The following is an entry in ClinVar:

NM_001009944.3(PKD1):c.12703G>T (p.Asp4235Tyr)

Gene: PKD1 (polycystin 1, transient receptor potential channel interacting; minus strand). Cytogenetic location: 16p13.3.
Variant type: single nucleotide variant.
Coding change: c.12703G>T on transcript NM_001009944.3 (MANE Select); coding-DNA position 12703, G replaced by T.
Protein change: p.Asp4235Tyr; replaces aspartic acid 4235 with tyrosine.
Molecular consequence: missense variant.
Genome position (GRCh38, 1-based): chr16:2,089,936, C>A on the plus strand (G>T on the coding strand, the complement: PKD1 is on the minus strand). VCF-style: chr16-2089936-C-A. GRCh37 (hg19) VCF-style: chr16-2139937-C-A.
Other names: c.12700G>T, p.Asp4234Tyr (NM_000296.4); short protein forms D4235Y, D4234Y.
Identifiers: ClinVar variation 4992936 (VCV004992936.1).

ClinVar aggregate classification (germline): Uncertain significance (1 of 4 stars; one submission).

Conditions:
PKD1-related disorder. Also called: PKD1-related condition.

Submission:

PreventionGenetics, part of Exact Sciences
Classification: Uncertain significance for PKD1-related condition. Last evaluated: 2026-08-07. Review status: criteria provided, single submitter. Criteria: ACMG Guidelines, 2015. Collection method: clinical testing. Allele origin: germline.
Comment: The PKD1 c.12703G>T variant is predicted to result in the amino acid substitution p.Asp4235Tyr. To our knowledge, this variant has not been reported in the literature or in a large population database (gnomAD), indicating this variant is rare. At this time, the clinical significance of this variant is uncertain due to the absence of conclusive functional and genetic evidence.